The following is an entry in ClinVar:

ClinVar aggregate classification (germline): Uncertain significance (1 of 4 stars; one submission).

Conditions:
Hereditary breast ovarian cancer syndrome. Also called: Hereditary breast and ovarian cancer syndrome (HBOC); Breast and ovarian cancer; BRCA1- and BRCA2-Associated Hereditary Breast and Ovarian Cancer; Hereditary breast and ovarian cancer syndrome; Hereditary breast and ovarian cancer; Hereditary breast and/or ovarian cancer syndrome. Identifiers: Orphanet 145, MedGen C0677776, MeSH D061325, MONDO:0003582. Disease mechanism: loss of function.

Submission:

Labcorp Genetics (formerly Invitae), Labcorp
Classification: Uncertain significance for Hereditary breast ovarian cancer syndrome. Last evaluated: 2023-02-16. Review status: criteria provided, single submitter. Criteria: Invitae Variant Classification Sherloc (09022015). Collection method: clinical testing. Allele origin: germline.
Comment: Advanced modeling of protein sequence and biophysical properties (such as structural, functional, and spatial information, amino acid conservation, physicochemical variation, residue mobility, and thermodynamic stability) performed at Invitae indicates that this missense variant is not expected to disrupt BRCA2 protein function. In summary, the available evidence is currently insufficient to determine the role of this variant in disease. Therefore, it has been classified as a Variant of Uncertain Significance. Algorithms developed to predict the effect of sequence changes on RNA splicing suggest that this variant may create or strengthen a splice site. This variant has not been reported in the literature in individuals affected with BRCA2-related conditions. This variant is not present in population databases (gnomAD no frequency). This sequence change replaces serine, which is neutral and polar, with cysteine, which is neutral and slightly polar, at codon 2483 of the BRCA2 protein (p.Ser2483Cys).

NM_000059.4(BRCA2):c.7447A>T (p.Ser2483Cys)

Gene: BRCA2 (BRCA2 DNA repair associated; plus strand). Cytogenetic location: 13q13.1.
Variant type: single nucleotide variant.
Coding change: c.7447A>T on transcript NM_000059.4 (MANE Select); coding-DNA position 7447, A replaced by T.
Protein change: p.Ser2483Cys; replaces serine 2483 with cysteine.
Molecular consequence: missense variant.
Genome position (GRCh38, 1-based): chr13:32,356,439, A>T. VCF-style: chr13-32356439-A-T. GRCh37 (hg19) VCF-style: chr13-32930576-A-T.
Other names: c.7351A>T, p.Ser2451Cys (NM_001406719.1); c.7447A>T, p.Ser2483Cys (NM_001406720.1); c.2515A>T, p.Ser839Cys (NM_001406721.1); c.1030A>T, p.Ser344Cys (NM_001406722.1); short protein forms S344C, S839C, S2451C, S2483C.
Identifiers: ClinVar variation 1913648 (VCV001913648.5), dbSNP rs80358966, ClinGen allele CA387743026.